The following is an entry in ClinVar:

NM_020232.5(PSMG2):c.418del (p.Arg140fs)

Gene: PSMG2 (proteasome assembly chaperone 2; plus strand). Cytogenetic location: 18p11.21.
Variant type: Deletion.
Coding change: c.418del on transcript NM_020232.5 (MANE Select); coding-DNA position 418, one base deleted (C; older notation c.418delC).
Protein change: p.Arg140fs; shifts the reading frame from arginine 140.
Molecular consequence: frameshift variant.
Genome position (GRCh38, 1-based): chr18:12,720,520, C deleted; the last of 2 consecutive C bases (chr18:12,720,519-12,720,520); deleting either gives the same sequence. VCF-style (leftmost placement, unchanged base first): chr18-12720518-TC-T. GRCh37 (hg19) VCF-style: chr18-12720517-TC-T.
Other names: c.325del, p.Arg109fs (NM_147163.2); short protein forms R109fs, R140fs.
Identifiers: ClinVar variation 1040613 (VCV001040613.6), dbSNP rs1397033243, ClinGen allele CA628487673.

ClinVar aggregate classification (germline): Uncertain significance (1 of 4 stars; one submission).

Submission:

Labcorp Genetics (formerly Invitae), Labcorp
Classification: Uncertain significance. Last evaluated: 2025-05-12. Review status: criteria provided, single submitter. Criteria: Invitae Variant Classification Sherloc (09022015). Collection method: clinical testing. Allele origin: germline.
Comment: This sequence change creates a premature translational stop signal (p.Arg140Glyfs*16) in the PSMG2 gene. It is expected to result in an absent or disrupted protein product. However, the current clinical and genetic evidence is not sufficient to establish whether loss-of-function variants in PSMG2 cause disease. This variant is not present in population databases (gnomAD no frequency). This variant has not been reported in the literature in individuals affected with PSMG2-related conditions. ClinVar contains an entry for this variant (Variation ID: 1040613). In summary, the available evidence is currently insufficient to determine the role of this variant in disease. Therefore, it has been classified as a Variant of Uncertain Significance.